The following is an entry in ClinVar:

ClinVar aggregate classification (germline): Uncertain significance (1 of 4 stars; one submission).

Conditions:
Ataxia-telangiectasia syndrome (AT). Also called: LOUIS-BAR SYNDROME; Cerebello-oculocutaneous telangiectasia; Immunodeficiency with ataxia telangiectasia; Ataxia-telangiectasia, complementation group D; AT, COMPLEMENTATION GROUP C; ATAXIA-TELANGIECTASIA, COMPLEMENTATION GROUP A. Identifiers: Orphanet 100, MedGen C0004135, MONDO:0008840, OMIM 208900.

gnomAD v4.1: 1 of 1,614,086 alleles (0.000062%); highest among the groups gnomAD compares: Middle Eastern, 0.016%; no homozygotes.

Submission:

Labcorp Genetics (formerly Invitae), Labcorp
Classification: Uncertain significance for Ataxia-telangiectasia syndrome. Last evaluated: 2025-07-25. Review status: criteria provided, single submitter. Criteria: Invitae Variant Classification Sherloc (09022015). Collection method: clinical testing. Allele origin: germline.
Comment: This sequence change replaces arginine, which is basic and polar, with lysine, which is basic and polar, at codon 2912 of the ATM protein (p.Arg2912Lys). This variant is not present in population databases (gnomAD no frequency). This variant has not been reported in the literature in individuals affected with ATM-related conditions. Invitae Evidence Modeling of protein sequence and biophysical properties (such as structural, functional, and spatial information, amino acid conservation, physicochemical variation, residue mobility, and thermodynamic stability) indicates that this missense variant is expected to disrupt ATM protein function with a positive predictive value of 80%. In summary, the available evidence is currently insufficient to determine the role of this variant in disease. Therefore, it has been classified as a Variant of Uncertain Significance.

NM_000051.4(ATM):c.8735G>A (p.Arg2912Lys)

Genes: ATM (ATM serine/threonine kinase; plus strand), C11orf65 (chromosome 11 open reading frame 65; minus strand). Cytogenetic location: 11q22.3.
Variant type: single nucleotide variant.
Coding change: c.8735G>A on transcript NM_000051.4 (MANE Select); coding-DNA position 8735, G replaced by A.
Protein change: p.Arg2912Lys; replaces arginine 2912 with lysine.
Molecular consequence: missense variant. On other transcripts: intron variant (2).
Genome position (GRCh38, 1-based): chr11:108,353,829, G>A. VCF-style: chr11-108353829-G-A. GRCh37 (hg19) VCF-style: chr11-108224556-G-A.
Other names: c.8735G>A, p.Arg2912Lys (NM_001351834.2); c.640+32091C>T (NM_001330368.2); c.695-18537C>T (NM_001351110.2); short protein forms R2912K.
Identifiers: ClinVar variation 4747277 (VCV004747277.1).